The following is an entry in ClinVar:

NM_003998.4(NFKB1):c.2293G>A (p.Gly765Arg)

Gene: NFKB1 (nuclear factor kappa B subunit 1; plus strand). Cytogenetic location: 4q24.
Variant type: single nucleotide variant.
Coding change: c.2293G>A on transcript NM_003998.4 (MANE Select); coding-DNA position 2293, G replaced by A.
Protein change: p.Gly765Arg; replaces glycine 765 with arginine.
Molecular consequence: missense variant.
Genome position (GRCh38, 1-based): chr4:102,610,640, G>A. VCF-style: chr4-102610640-G-A. GRCh37 (hg19) VCF-style: chr4-103531797-G-A.
Other names: c.2290G>A, p.Gly764Arg (NM_001165412.2, NM_001319226.2, NM_001382627.1); c.2293G>A, p.Gly765Arg (NM_001382625.1, NM_001382626.1); c.2251G>A, p.Gly751Arg (NM_001382628.1); short protein forms G751R, G764R, G765R.
Identifiers: ClinVar variation 3605252 (VCV003605252.2).
Genomic context (GRCh38, chr4:102,610,640, plus strand): 5'-GATCCCCTGGTGGAGAACTTTGAGCCTCTCTATGACCTGGATGACTCTTGGGAAAATGCA[G>A]GAGAGGATGAAGGAGTTGTGCCTGGAACCACGCCTCTAGATATGGCCACCAGCTGGCAGG-3'
Protein context (NP_003989.2, residues 755-775): YDLDDSWENA[Gly765Arg]EDEGVVPGTT

ClinVar aggregate classification (germline): Uncertain significance (1 of 4 stars; one submission).

Submission:

Labcorp Genetics (formerly Invitae), Labcorp
Classification: Uncertain significance. Last evaluated: 2024-01-31. Review status: criteria provided, single submitter. Criteria: Invitae Variant Classification Sherloc (09022015). Collection method: clinical testing. Allele origin: germline.
Comment: This sequence change replaces glycine, which is neutral and non-polar, with arginine, which is basic and polar, at codon 765 of the NFKB1 protein (p.Gly765Arg). This variant is not present in population databases (gnomAD no frequency). This variant has not been reported in the literature in individuals affected with NFKB1-related conditions. An algorithm developed to predict the effect of missense changes on protein structure and function (PolyPhen-2) suggests that this variant is likely to be disruptive. In summary, the available evidence is currently insufficient to determine the role of this variant in disease. Therefore, it has been classified as a Variant of Uncertain Significance.